The following is an entry in ClinVar:

NM_001194.4(HCN2):c.2008C>T (p.Leu670Phe)

Gene: HCN2 (hyperpolarization activated cyclic nucleotide gated potassium and sodium channel 2; plus strand). Cytogenetic location: 19p13.3.
Variant type: single nucleotide variant.
Coding change: c.2008C>T on transcript NM_001194.4 (MANE Select); coding-DNA position 2008, C replaced by T.
Protein change: p.Leu670Phe; replaces leucine 670 with phenylalanine.
Molecular consequence: missense variant.
Genome position (GRCh38, 1-based): chr19:615,812, C>T. VCF-style: chr19-615812-C-T. GRCh37 (hg19) VCF-style: chr19-615812-C-T.
Other names: short protein forms L670F.
Identifiers: ClinVar variation 3066209 (VCV003066209.1), dbSNP rs779973432, ClinGen allele CA9018800.

ClinVar aggregate classification (germline): Uncertain significance (1 of 4 stars; one submission).

Conditions:
Epilepsy, idiopathic generalized, susceptibility to, 17 (EIG17). Identifiers: MedGen C5561931, MONDO:0100519, OMIM 602477.

Allele frequency attached by ClinVar (database versions not stated): TOPMed below 0.00001; ExAC 0.00001; gnomAD 0.00001.

Submission:

MVZ Medizinische Genetik Mainz
Classification: Uncertain significance for Epilepsy, idiopathic generalized, susceptibility to, 17. Last evaluated: 2023-06-21. Review status: criteria provided, single submitter. Criteria: UK Practice Guidelines For Variant Classification V4 01 2020. Collection method: clinical testing. Allele origin: germline. Inheritance: Autosomal dominant inheritance. Affected: yes. Observed: 1 variant allele.
Comment: ACMG Criteria: PM2_SUP,PP2,PP3